The following is an entry in ClinVar:

ClinVar aggregate classification (germline): Uncertain significance (1 of 4 stars; one submission).

Conditions:
UROD-related disorder. Also called: UROD-related condition; UROD-related disorders.

Allele frequency attached by ClinVar (database versions not stated): gnomAD exomes 0.00001; TOPMed 0.00001; ExAC 0.00002; gnomAD 0.00002; ESP Exome Variant Server 0.00008.
gnomAD v4.1: 12 of 1,614,012 alleles (0.00074%); highest among the groups gnomAD compares: Admixed American, 0.0033%; no homozygotes.

Submission:

PreventionGenetics, part of Exact Sciences
Classification: Uncertain significance for UROD-related condition. Last evaluated: 2023-09-09. Review status: criteria provided, single submitter. Criteria: ACMG Guidelines, 2015. Collection method: clinical testing. Allele origin: germline.
Comment: The UROD c.449C>T variant is predicted to result in the amino acid substitution p.Pro150Leu. This variant has been reported in an individual with cutanea tarda porphyria (Table 1, Badenas et al. 2009. PubMed ID: 19419417). This variant was determined to be carried by two of the individual's relatives, one of which had increased urinary porphyrins (Table 3, Badenas et al. 2009. PubMed ID: 19419417). This variant is reported in 3 of ~251,000 alleles in gnomAD. Alternate nucleotide changes affecting the same amino acid (p.Pro150Gln and p.Pro150Ser) have been reported in 2 individuals with cutanea tarda porphyria (Figure 1, Poblete-Gutierrez et al. 2004. PubMed ID: 15186324; Table 1, Aarsand et al. 2009. PubMed ID: 19233912). Although we suspect this variant is pathogenic, at this time, the clinical significance of this variant is uncertain due to the absence of conclusive functional and genetic evidence.

NM_000374.5(UROD):c.449C>T (p.Pro150Leu)

Gene: UROD (uroporphyrinogen decarboxylase; plus strand). Cytogenetic location: 1p34.1.
Variant type: single nucleotide variant.
Coding change: c.449C>T on transcript NM_000374.5 (MANE Select); coding-DNA position 449, C replaced by T.
Protein change: p.Pro150Leu; replaces proline 150 with leucine.
Molecular consequence: missense variant. On other transcripts: non-coding transcript variant (3).
Genome position (GRCh38, 1-based): chr1:45,013,766, C>T. VCF-style: chr1-45013766-C-T. GRCh37 (hg19) VCF-style: chr1-45479438-C-T.
Other names: short protein forms P150L.
Identifiers: ClinVar variation 2635706 (VCV002635706.1), dbSNP rs143390436, ClinGen allele CA825245.